The following is an entry in ClinVar:

NM_006218.4(PIK3CA):c.2612A>T (p.Gln871Leu)

Gene: PIK3CA (phosphatidylinositol-4,5-bisphosphate 3-kinase catalytic subunit alpha; plus strand). Cytogenetic location: 3q26.32.
Variant type: single nucleotide variant.
Coding change: c.2612A>T on transcript NM_006218.4 (MANE Select); coding-DNA position 2612, A replaced by T.
Protein change: p.Gln871Leu; replaces glutamine 871 with leucine.
Molecular consequence: missense variant.
Genome position (GRCh38, 1-based): chr3:179,229,388, A>T. VCF-style: chr3-179229388-A-T. GRCh37 (hg19) VCF-style: chr3-178947176-A-T.
Other names: short protein forms Q871L.
Identifiers: ClinVar variation 1402400 (VCV001402400.8), dbSNP rs2108422970, ClinGen allele CA355278573.

ClinVar aggregate classification (germline): Uncertain significance (1 of 4 stars; one submission).

Conditions:
Cowden syndrome (CS). Also called: Cowden's disease; Cowden's syndrome; Cowden disease. Identifiers: Orphanet 201, MedGen C0018553, MONDO:0016063. Disease mechanism: gain of function.

Submission:

Labcorp Genetics (formerly Invitae), Labcorp
Classification: Uncertain significance for Cowden syndrome. Last evaluated: 2021-01-07. Review status: criteria provided, single submitter. Criteria: Invitae Variant Classification Sherloc (09022015). Collection method: clinical testing. Allele origin: germline.
Comment: This variant has not been reported in the literature in individuals with PIK3CA-related conditions. In summary, the available evidence is currently insufficient to determine the role of this variant in disease. Therefore, it has been classified as a Variant of Uncertain Significance. Algorithms developed to predict the effect of missense changes on protein structure and function (SIFT, PolyPhen-2, Align-GVGD) all suggest that this variant is likely to be disruptive, but these predictions have not been confirmed by published functional studies and their clinical significance is uncertain. This variant is not present in population databases (ExAC no frequency). This sequence change replaces glutamine with leucine at codon 871 of the PIK3CA protein (p.Gln871Leu). The glutamine residue is highly conserved and there is a moderate physicochemical difference between glutamine and leucine.